The following is an entry in ClinVar:

ClinVar aggregate classification (germline): Benign (1 of 4 stars; one submission).

gnomAD v4.1: 19,838 of 1,613,374 alleles (1.2%); highest among the groups gnomAD compares: Non-Finnish European, 1.3%; 150 homozygotes.

Submission:

CeGaT Center for Human Genetics Tuebingen
Classification: Benign. Last evaluated: 2026-06-01. Review status: criteria provided, single submitter. Criteria: CeGaT Center For Human Genetics Tuebingen Variant Classification Criteria Version 2. Collection method: clinical testing. Allele origin: germline. Affected: yes. Observed: 3 variant alleles.
Comment: MUC5B: BP4, BS1, BS2

NM_002458.3(MUC5B):c.4079C>T (p.Thr1360Met)

Gene: MUC5B (mucin 5B, oligomeric mucus/gel-forming; plus strand). Cytogenetic location: 11p15.5.
Variant type: single nucleotide variant.
Coding change: c.4079C>T on transcript NM_002458.3 (MANE Select); coding-DNA position 4079, C replaced by T.
Protein change: p.Thr1360Met; replaces threonine 1360 with methionine.
Molecular consequence: missense variant.
Genome position (GRCh38, 1-based): chr11:1,240,959, C>T. VCF-style: chr11-1240959-C-T. GRCh37 (hg19) VCF-style: chr11-1262189-C-T.
Other names: short protein forms T1360M.
Identifiers: ClinVar variation 3770430 (VCV003770430.13).
Genomic context (GRCh38, chr11:1,240,959, plus strand): 5'-GGTCCAGCTGGTACAATGGGCACCGCCCAGAGCCCGGCCTGGGAGGCGGAGACTTTGAGA[C>T]GTTTGAAAACCTGAGGCAGAGAGGGTACCAGGTATGCCCTGTGCTGGCTGACATCGAGTG-3'
Protein context (NP_002449.2, residues 1350-1370): EPGLGGGDFE[Thr1360Met]FENLRQRGYQ